The following is an entry in ClinVar:

ClinVar aggregate classification (germline): Uncertain significance (1 of 4 stars; one submission).

Allele frequency attached by ClinVar (database versions not stated): gnomAD exomes below 0.00001.
gnomAD v4.1: 1 of 1,614,216 alleles (0.000062%); highest among the groups gnomAD compares: Non-Finnish European, 0.000085%; no homozygotes.

Submission:

Labcorp Genetics (formerly Invitae), Labcorp
Classification: Uncertain significance. Last evaluated: 2022-03-14. Review status: criteria provided, single submitter. Criteria: Invitae Variant Classification Sherloc (09022015). Collection method: clinical testing. Allele origin: germline.
Comment: This sequence change replaces lysine, which is basic and polar, with glutamine, which is neutral and polar, at codon 2557 of the TRRAP protein (p.Lys2557Gln). In summary, the available evidence is currently insufficient to determine the role of this variant in disease. Therefore, it has been classified as a Variant of Uncertain Significance. Algorithms developed to predict the effect of missense changes on protein structure and function (SIFT, PolyPhen-2, Align-GVGD) all suggest that this variant is likely to be tolerated. This variant has not been reported in the literature in individuals affected with TRRAP-related conditions. This variant is not present in population databases (gnomAD no frequency).

NM_001375524.1(TRRAP):c.7744A>C (p.Lys2582Gln)

Gene: TRRAP (transformation/transcription domain associated protein; plus strand). Cytogenetic location: 7q22.1.
Variant type: single nucleotide variant.
Coding change: c.7744A>C on transcript NM_001375524.1 (MANE Select); coding-DNA position 7744, A replaced by C.
Protein change: p.Lys2582Gln; replaces lysine 2582 with glutamine.
Molecular consequence: missense variant.
Genome position (GRCh38, 1-based): chr7:98,971,850, A>C. VCF-style: chr7-98971850-A-C. GRCh37 (hg19) VCF-style: chr7-98569473-A-C.
Other names: c.7723A>C, p.Lys2575Gln (NM_001244580.2); c.7669A>C, p.Lys2557Gln (NM_003496.4); short protein forms K2582Q, K2575Q, K2557Q.
Identifiers: ClinVar variation 2112001 (VCV002112001.4), dbSNP rs1792432639, ClinGen allele CA368298203.
Genomic context (GRCh38, chr7:98,971,850, plus strand): 5'-GTTTCTTAGGATGTAGAGATAGACATCGAACTAGCTCCTGGGGATCAGACCAGCACGCCC[A>C]AAACCAAAGAACTTTCAGAAAAGGACATTGGAAACCAGCTGCACATGCTAACCAACAGGC-3'
Protein context (NP_001362453.1, residues 2572-2592): LAPGDQTSTP[Lys2582Gln]TKELSEKDIG